The following is an entry in ClinVar:

ClinVar aggregate classification (germline): Likely benign. Review status: criteria provided, multiple submitters, no conflicts (2 of 4 stars). 4 submissions from 4 submitters: Likely benign (3). 1 of the submissions does not count toward it. Last evaluated 2026-01-08.

Conditions:
SORL1-related disorder. Also called: SORL1-related condition.

Allele frequency attached by ClinVar (database versions not stated): 1000 Genomes Project 0.00080; 1000 Genomes Project 30x 0.00094; TOPMed 0.00221; gnomAD 0.00228 and 0.00233; gnomAD exomes 0.00256 and 0.00340; ExAC 0.00282; ESP Exome Variant Server 0.00423.
gnomAD v4.1: 5,264 of 1,612,590 alleles (0.33%); highest among the groups gnomAD compares: Non-Finnish European, 0.4%; 14 homozygotes.

Submissions (4):

Labcorp Genetics (formerly Invitae), Labcorp
Classification: Likely benign. Last evaluated: 2026-01-08. Review status: criteria provided, single submitter. Criteria: Invitae Variant Classification Sherloc (09022015). Collection method: clinical testing. Allele origin: germline.

CeGaT Center for Human Genetics Tuebingen
Classification: Likely benign. Last evaluated: 2025-07-01. Review status: criteria provided, single submitter. Criteria: CeGaT Center For Human Genetics Tuebingen Variant Classification Criteria Version 2. Collection method: clinical testing. Allele origin: germline. Affected: yes. Observed: 2 variant alleles.
Comment: SORL1: BS2

Blueprint Genetics
Classification: Likely benign. Last evaluated: 2024-11-25. Review status: criteria provided, single submitter. Criteria: ACMG Guidelines, 2015. Collection method: clinical testing. Allele origin: germline.

PreventionGenetics, part of Exact Sciences
Classification: Likely benign for SORL1-related condition. Last evaluated: 2024-06-24. Review status: no assertion criteria provided. Collection method: clinical testing. Allele origin: germline. Not counted in ClinVar's aggregate classification.
Comment: This variant is classified as likely benign based on ACMG/AMP sequence variant interpretation guidelines (Richards et al. 2015 PMID: 25741868, with internal and published modifications).

NM_003105.6(SORL1):c.6194A>T (p.Asp2065Val)

Gene: SORL1 (sortilin related receptor 1; plus strand). Cytogenetic location: 11q24.1.
Variant type: single nucleotide variant.
Coding change: c.6194A>T on transcript NM_003105.6 (MANE Select); coding-DNA position 6194, A replaced by T.
Protein change: p.Asp2065Val; replaces aspartic acid 2065 with valine.
Molecular consequence: missense variant.
Genome position (GRCh38, 1-based): chr11:121,625,107, A>T. VCF-style: chr11-121625107-A-T. GRCh37 (hg19) VCF-style: chr11-121495816-A-T.
Other names: c.6194A>T (NM_003105.5); short protein forms D2065V.
Identifiers: ClinVar variation 1012595 (VCV001012595.46), dbSNP rs140327834, ClinGen allele CA6330214.